The following is an entry in ClinVar:

NM_002691.4(POLD1):c.1419G>A (p.Thr473=)

Gene: POLD1 (DNA polymerase delta 1, catalytic subunit; plus strand). Cytogenetic location: 19q13.33.
Variant type: single nucleotide variant.
Coding change: c.1419G>A on transcript NM_002691.4 (MANE Select); coding-DNA position 1419, G replaced by A.
Protein change: p.Thr473=; no amino-acid change (threonine 473 retained).
Molecular consequence: synonymous variant. On other transcripts: non-coding transcript variant (1).
Genome position (GRCh38, 1-based): chr19:50,406,442, G>A. VCF-style: chr19-50406442-G-A. GRCh37 (hg19) VCF-style: chr19-50909699-G-A.
Other names: c.1419G>A, p.Thr473= (NM_001256849.1, NM_001308632.1).
Identifiers: ClinVar variation 239236 (VCV000239236.58), dbSNP rs763643495, ClinGen allele CA9596137.
Genomic context (GRCh38, chr19:50,406,442, plus strand): 5'-CCCACCAGCCCACCCACCCACCTAGGTGCTGCTGCGGGAGTACAAGCTCCGCTCCTACAC[G>A]CTCAATGCCGTGAGCTTCCACTTCCTGGGCGAGCAGAAGGAGGACGTGCAGCACAGCATC-3'
Protein context (NP_002682.2, residues 463-483): LLREYKLRSY[Thr473=]LNAVSFHFLG

ClinVar aggregate classification (germline): Benign/Likely benign. Review status: criteria provided, multiple submitters, no conflicts (2 of 4 stars). 8 submissions from 8 submitters: Benign (2); Likely benign (5). 1 of the submissions does not count toward it. Last evaluated 2025-12-23.

Conditions:
POLD1-related disorder. Also called: POLD1-related condition; POLD1-related disorders.
Hereditary cancer-predisposing syndrome. Also called: Tumor predisposition; Hereditary Cancer Syndrome; Neoplastic Syndromes, Hereditary; Hereditary neoplastic syndrome. Identifiers: Orphanet 140162, MedGen C0027672, MeSH D009386, MONDO:0015356.
POLD1-related polyposis and colorectal cancer syndrome (CRCS10). Also called: Colorectal cancer 10; COLORECTAL CANCER, SUSCEPTIBILITY TO, ON CHROMOSOME 19q; Colorectal cancer, susceptibility to, 10. Identifiers: Orphanet 220460, MedGen C2675481, MONDO:0012953, OMIM 612591.

Allele frequency attached by ClinVar (database versions not stated): gnomAD 0.00001 and 0.00003; TOPMed 0.00003; gnomAD exomes 0.00008; ExAC 0.00016; 1000 Genomes Project 30x 0.00031.
gnomAD v4.1: 63 of 1,599,258 alleles (0.0039%); highest among the groups gnomAD compares: South Asian, 0.05%; no homozygotes.

Submissions (8):

Labcorp Genetics (formerly Invitae), Labcorp
Classification: Likely benign for POLD1-related polyposis and colorectal cancer syndrome. Last evaluated: 2025-12-23. Review status: criteria provided, single submitter. Criteria: Invitae Variant Classification Sherloc (09022015). Collection method: clinical testing. Allele origin: germline.

Myriad Genetics, Inc.
Classification: Benign for POLD1-related polyposis and colorectal cancer syndrome. Last evaluated: 2025-02-06. Review status: criteria provided, single submitter. Criteria: Myriad Autosomal Dominant, Autosomal Recessive and X-Linked Classification Criteria (2023). Collection method: clinical testing. Allele origin: unknown.
Comment: This variant is considered benign. This variant is a silent/synonymous amino acid change and it is not expected to impact splicing.

Quest Diagnostics Nichols Institute San Juan Capistrano
Classification: Benign. Last evaluated: 2023-01-16. Review status: criteria provided, single submitter. Criteria: Quest Diagnostics criteria. Collection method: clinical testing. Allele origin: unknown.

Blueprint Genetics
Classification: Likely benign. Last evaluated: 2021-12-27. Review status: criteria provided, single submitter. Criteria: ACMG Guidelines, 2015. Collection method: clinical testing. Allele origin: germline.

GeneDx
Classification: Likely benign. Last evaluated: 2020-01-14. Review status: criteria provided, single submitter. Criteria: GeneDx Variant Classification Process June 2021. Collection method: clinical testing. Allele origin: germline. Affected: yes.

CeGaT Center for Human Genetics Tuebingen
Classification: Likely benign. Last evaluated: 2018-07-01. Review status: criteria provided, single submitter. Criteria: CeGaT Center For Human Genetics Tuebingen Variant Classification Criteria Version 2. Collection method: clinical testing. Allele origin: germline. Affected: yes. Observed: 1 variant allele.

Ambry Genetics
Classification: Likely benign for Hereditary cancer-predisposing syndrome. Last evaluated: 2017-03-16. Review status: criteria provided, single submitter. Criteria: Ambry Variant Classification Scheme 2023. Collection method: clinical testing. Allele origin: germline.

PreventionGenetics, part of Exact Sciences
Classification: Likely benign for POLD1-related condition. Last evaluated: 2023-02-01. Review status: no assertion criteria provided. Collection method: clinical testing. Allele origin: germline. Not counted in ClinVar's aggregate classification.
Comment: This variant is classified as likely benign based on ACMG/AMP sequence variant interpretation guidelines (Richards et al. 2015 PMID: 25741868, with internal and published modifications).